The following is an entry in ClinVar:

NM_152564.5(VPS13B):c.4633+1G>A

Gene: VPS13B (vacuolar protein sorting 13 homolog B; plus strand). Cytogenetic location: 8q22.2.
Variant type: single nucleotide variant.
Coding change: c.4633+1G>A on transcript NM_152564.5 (MANE Select); the canonical splice donor site of the intron after coding-DNA position 4633, G replaced by A.
Molecular consequence: splice donor variant.
Genome position (GRCh38, 1-based): chr8:99,511,513, G>A. VCF-style: chr8-99511513-G-A. GRCh37 (hg19) VCF-style: chr8-100523741-G-A.
Other names: c.4708+1G>A (NM_017890.5, NM_017890.4).
Identifiers: ClinVar variation 2708578 (VCV002708578.4), dbSNP rs1337363590, ClinGen allele CA371872059.
Genomic context (GRCh38, chr8:99,511,513, plus strand): 5'-ACACAAGTGTAATCAGAATTTTTATTCCAAAAACAGAAGAAATGCAGCCAACTGTTGAAG[G>A]TATTGTCTTCTGATTTTTTTTGTCTGATTTTAAATAATTTTCTTCTAGAGACCTTAGTTT-3'

ClinVar aggregate classification (germline): Likely pathogenic. Review status: criteria provided, multiple submitters, no conflicts (2 of 4 stars). 2 submissions from 2 submitters: Likely pathogenic (2). Last evaluated 2024-01-24.

Conditions:
Cohen syndrome (COH1). Also called: Cutis verticis gyrata, retinitis pigmentosa, and sensorineural deafness; PEPPER SYNDROME. Identifiers: Orphanet 193, MedGen C0265223, MONDO:0008999, OMIM 216550.

gnomAD v4.1: 1 of 1,610,450 alleles (0.000062%); highest among the groups gnomAD compares: Non-Finnish European, 0.000085%; no homozygotes.

Submissions (2):

Labcorp Genetics (formerly Invitae), Labcorp
Classification: Likely pathogenic for Cohen syndrome. Last evaluated: 2024-01-24. Review status: criteria provided, single submitter. Criteria: Invitae Variant Classification Sherloc (09022015). Collection method: clinical testing. Allele origin: germline.
Comment: This sequence change affects a donor splice site in intron 29 of the VPS13B gene. It is expected to disrupt RNA splicing. Variants that disrupt the donor or acceptor splice site typically lead to a loss of protein function (PMID: 16199547), and loss-of-function variants in VPS13B are known to be pathogenic (PMID: 15141358, 16648375, 20461111). This variant is not present in population databases (gnomAD no frequency). This variant has not been reported in the literature in individuals affected with VPS13B-related conditions. Algorithms developed to predict the effect of sequence changes on RNA splicing suggest that this variant may disrupt the consensus splice site. In summary, the currently available evidence indicates that the variant is pathogenic, but additional data are needed to prove that conclusively. Therefore, this variant has been classified as Likely Pathogenic.

Fulgent Genetics
Classification: Likely pathogenic for Cohen syndrome. Last evaluated: 2024-01-10. Review status: criteria provided, single submitter. Criteria: ACMG Guidelines, 2015. Collection method: clinical testing. Allele origin: germline.

Literature cited by the submitters: PubMed 16199547 (cited by Labcorp Genetics (formerly Invitae), Labcorp); PubMed 15141358 (cited by Labcorp Genetics (formerly Invitae), Labcorp); PubMed 16648375 (cited by Labcorp Genetics (formerly Invitae), Labcorp); PubMed 20461111 (cited by Labcorp Genetics (formerly Invitae), Labcorp).